The following is an entry in ClinVar:

ClinVar aggregate classification (germline): Likely benign (1 of 4 stars; one submission).

gnomAD v4.1: 8 of 1,607,398 alleles (0.0005%); highest among the groups gnomAD compares: Admixed American, 0.005%; no homozygotes.

Submission:

CeGaT Center for Human Genetics Tuebingen
Classification: Likely benign. Last evaluated: 2026-09-01. Review status: criteria provided, single submitter. Criteria: CeGaT Center For Human Genetics Tuebingen Variant Classification Criteria Version 2. Collection method: clinical testing. Allele origin: germline. Affected: yes. Observed: 1 variant allele.
Comment: ATP6V0C: BP4, BP7

NM_001694.4(ATP6V0C):c.444C>T (p.Val148=)

Gene: ATP6V0C (ATPase H+ transporting V0 subunit c; plus strand). Cytogenetic location: 16p13.3.
Variant type: single nucleotide variant.
Coding change: c.444C>T on transcript NM_001694.4 (MANE Select); coding-DNA position 444, C replaced by T.
Protein change: p.Val148=; no amino-acid change (valine 148 retained).
Molecular consequence: synonymous variant.
Genome position (GRCh38, 1-based): chr16:2,519,721, C>T. VCF-style: chr16-2519721-C-T. GRCh37 (hg19) VCF-style: chr16-2569722-C-T.
Other names: c.444C>T, p.Val148= (NM_001198569.2).
Identifiers: ClinVar variation 5041372 (VCV005041372.1).